The following is an entry in ClinVar:

ClinVar aggregate classification (germline): Uncertain significance (1 of 4 stars; one submission).

gnomAD v4.1: 1 of 1,608,760 alleles (0.000062%); highest among the groups gnomAD compares: East Asian, 0.0022%; no homozygotes.

Submission:

Ambry Genetics
Classification: Uncertain significance. Last evaluated: 2024-06-02. Review status: criteria provided, single submitter. Criteria: Ambry Variant Classification Scheme 2023. Collection method: clinical testing. Allele origin: germline.
Comment: The p.L173Q variant (also known as c.518T>A), located in coding exon 1 of the EGLN1 gene, results from a T to A substitution at nucleotide position 518. The leucine at codon 173 is replaced by glutamine, an amino acid with dissimilar properties. This amino acid position is conserved. In addition, this alteration is predicted to be tolerated by in silico analysis. Based on the available evidence, the clinical significance of this variant remains unclear.

NM_022051.3(EGLN1):c.518T>A (p.Leu173Gln)

Gene: EGLN1 (egl-9 family hypoxia inducible factor 1; minus strand). Cytogenetic location: 1q42.2.
Variant type: single nucleotide variant.
Coding change: c.518T>A on transcript NM_022051.3 (MANE Select); coding-DNA position 518, T replaced by A.
Protein change: p.Leu173Gln; replaces leucine 173 with glutamine.
Molecular consequence: missense variant.
Genome position (GRCh38, 1-based): chr1:231,421,371, A>T on the plus strand (T>A on the coding strand, the complement: EGLN1 is on the minus strand). VCF-style: chr1-231421371-A-T. GRCh37 (hg19) VCF-style: chr1-231557117-A-T.
Other names: c.518T>A, p.Leu173Gln (NM_001377260.1, NM_001377261.1); short protein forms L173Q.
Identifiers: ClinVar variation 3274768 (VCV003274768.1).